The following is an entry in ClinVar:

ClinVar aggregate classification (germline): Benign/Likely benign. Review status: criteria provided, multiple submitters, no conflicts (2 of 4 stars). 5 submissions from 5 submitters: Benign (1); Likely benign (4). Last evaluated 2025-01-19.

Conditions:
Hereditary cancer-predisposing syndrome. Also called: Tumor predisposition; Hereditary neoplastic syndrome; Neoplastic Syndromes, Hereditary; Hereditary Cancer Syndrome. Identifiers: Orphanet 140162, MedGen C0027672, MeSH D009386, MONDO:0015356.
Familial adenomatous polyposis 1 (FAP1). Also called: FAMILIAL ADENOMATOUS POLYPOSIS 1, ATTENUATED; POLYPOSIS, ADENOMATOUS INTESTINAL. Identifiers: MedGen C2713442, MONDO:0021056, OMIM 175100. Disease mechanism: loss of function.

Allele frequency attached by ClinVar (database versions not stated): TOPMed below 0.00001; ExAC 0.00001.
gnomAD v4.1: 2 of 1,614,054 alleles (0.00012%); highest among the groups gnomAD compares: Non-Finnish European, 0.00017%; no homozygotes.

Submissions (5):

Labcorp Genetics (formerly Invitae), Labcorp
Classification: Likely benign for Familial adenomatous polyposis 1. Last evaluated: 2025-01-19. Review status: criteria provided, single submitter. Criteria: Invitae Variant Classification Sherloc (09022015). Collection method: clinical testing. Allele origin: germline.

Myriad Genetics, Inc.
Classification: Benign for Familial adenomatous polyposis 1. Last evaluated: 2024-03-01. Review status: criteria provided, single submitter. Criteria: Myriad Autosomal Dominant, Autosomal Recessive and X-Linked Classification Criteria (2023). Collection method: clinical testing. Allele origin: unknown.
Comment: This variant is considered benign. This variant is a silent/synonymous amino acid change and it is not expected to impact splicing.

Sema4
Classification: Likely benign for Hereditary cancer-predisposing syndrome. Last evaluated: 2021-11-15. Review status: criteria provided, single submitter. Criteria: Sema4 Curation Guidelines. Collection method: curation. Allele origin: germline.

Ambry Genetics
Classification: Likely benign for Hereditary cancer-predisposing syndrome. Last evaluated: 2018-11-14. Review status: criteria provided, single submitter. Criteria: Ambry Variant Classification Scheme 2023. Collection method: clinical testing. Allele origin: germline.

Color Diagnostics, LLC DBA Color Health
Classification: Likely benign for Hereditary cancer-predisposing syndrome. Last evaluated: 2018-11-01. Review status: criteria provided, single submitter. Criteria: ACMG Guidelines, 2015. Collection method: clinical testing. Allele origin: germline.

NM_000038.6(APC):c.1281T>C (p.His427=)

Gene: APC (APC regulator of Wnt signaling pathway; plus strand). Cytogenetic location: 5q22.2.
Variant type: single nucleotide variant.
Coding change: c.1281T>C on transcript NM_000038.6 (MANE Select); coding-DNA position 1281, T replaced by C.
Protein change: p.His427=; no amino-acid change (histidine 427 retained).
Molecular consequence: synonymous variant.
Genome position (GRCh38, 1-based): chr5:112,819,313, T>C. VCF-style: chr5-112819313-T-C. GRCh37 (hg19) VCF-style: chr5-112155010-T-C.
Other names: c.1281T>C, p.His427= (NM_001127510.3, NM_001354895.2, NM_001354896.2); c.1227T>C, p.His409= (NM_001127511.3); c.1311T>C, p.His437= (NM_001354897.2); c.1206T>C, p.His402= (NM_001354898.2); c.1197T>C, p.His399= (NM_001354899.2); c.1104T>C, p.His368= (NM_001354900.2, NM_001354901.2); c.1008T>C, p.His336= (NM_001354902.2); c.978T>C, p.His326= (NM_001354903.2); and 3 more.
Identifiers: ClinVar variation 818787 (VCV000818787.16), dbSNP rs770616197, ClinGen allele CA026998.